The following is an entry in ClinVar:

ClinVar aggregate classification (germline): Uncertain significance (1 of 4 stars; one submission).

Conditions:
Epidermolysis bullosa simplex 3, localized or generalized intermediate, with BP230 deficiency (EBS3). Also called: Epidermolysis bullosa simplex, autosomal recessive 2; Epidermolysis bullosa simplex due to BP230 deficiency. Identifiers: Orphanet 412181, MedGen C3809470, MONDO:0014180, OMIM 615425.
Hereditary sensory and autonomic neuropathy type 6. Also called: Neuropathy, hereditary sensory and autonomic, type VI; HSAN VI. Identifiers: Orphanet 314381, MedGen C3539003, MONDO:0013839, OMIM 614653.

Allele frequency attached by ClinVar (database versions not stated): gnomAD exomes below 0.00001; ExAC 0.00001; gnomAD 0.00001; TOPMed 0.00001.
gnomAD v4.1: 3 of 1,614,078 alleles (0.00019%); highest among the groups gnomAD compares: African/African-American, 0.0013%; no homozygotes.

Submission:

Labcorp Genetics (formerly Invitae), Labcorp
Classification: Uncertain significance for Epidermolysis bullosa simplex 3, localized or generalized intermediate, with BP230 deficiency; Hereditary sensory and autonomic neuropathy type 6. Last evaluated: 2018-01-02. Review status: criteria provided, single submitter. Criteria: Invitae Variant Classification Sherloc (09022015). Collection method: clinical testing. Allele origin: germline.
Comment: This sequence change results in a premature translational stop signal in the DST gene (p.Tyr2302*). While this is not anticipated to result in nonsense mediated decay, it is expected to delete the last 348 amino acids of the DST protein. This variant is present in population databases (rs775286129, ExAC 0.01%). This variant has not been reported in the literature in individuals with DST-related disease. In summary, the available evidence is currently insufficient to determine the role of this variant in disease. Therefore, it has been classified as a Variant of Uncertain Significance. Experimental studies and prediction algorithms are not available for this variant, and the functional significance of the deleted amino acids is currently unknown.

NM_001723.7(DST):c.6906T>G (p.Tyr2302Ter)

Gene: DST (dystonin; minus strand). Cytogenetic location: 6p12.1.
Variant type: single nucleotide variant.
Coding change: c.6906T>G on transcript NM_001723.7 (MANE Plus Clinical); coding-DNA position 6906, T replaced by G.
Protein change: p.Tyr2302Ter; replaces tyrosine 2302 with a stop codon.
Molecular consequence: nonsense. On other transcripts: intron variant (10).
Genome position (GRCh38, 1-based): chr6:56,616,561, A>C on the plus strand (T>G on the coding strand, the complement: DST is on the minus strand). VCF-style: chr6-56616561-A-C. GRCh37 (hg19) VCF-style: chr6-56481359-A-C.
Other names: c.4831-2077T>G (NM_001144769.5); c.4930-2077T>G (NM_001374722.1, NM_001374736.1); c.4957-2077T>G (NM_001374734.1); c.4417-2077T>G (NM_001144770.2); c.4297-2077T>G (NM_001374730.1, NM_001386100.1, NM_183380.4 and 1 more transcripts); c.3319-2077T>G (NM_015548.5); short protein forms Y2302*.
Identifiers: ClinVar variation 572628 (VCV000572628.9), dbSNP rs775286129, ClinGen allele CA3870069.
Genomic context (GRCh38, chr6:56,616,561, plus strand): 5'-TGGAAACAGAAAGCATTGGGACTCTACATCAAATACACACATTCGCAGTAATTCTGAGTA[A>C]TACAGAGCTTGCTTGTTATTGGGATTAGGGAAAACTCTTGTGTTGCTGGATGGCTCATGT-3'